The following is an entry in ClinVar:

NM_003995.4(NPR2):c.1775T>C (p.Ile592Thr)

Gene: NPR2 (natriuretic peptide receptor 2; plus strand). Cytogenetic location: 9p13.3.
Variant type: single nucleotide variant.
Coding change: c.1775T>C on transcript NM_003995.4 (MANE Select); coding-DNA position 1775, T replaced by C.
Protein change: p.Ile592Thr; replaces isoleucine 592 with threonine.
Molecular consequence: missense variant.
Genome position (GRCh38, 1-based): chr9:35,802,567, T>C. VCF-style: chr9-35802567-T-C. GRCh37 (hg19) VCF-style: chr9-35802564-T-C.
Other names: c.1784T>C, p.Ile595Thr (NM_001378923.1); short protein forms I595T, I592T.
Identifiers: ClinVar variation 2938152 (VCV002938152.3), dbSNP rs1290363739, ClinGen allele CA373374685.

ClinVar aggregate classification (germline): Uncertain significance (1 of 4 stars; one submission).

Conditions:
Acromesomelic dysplasia 1, Maroteaux type (AMD1). Also called: ST. HELENA DYSPLASIA; ACROMESOMELIC DYSPLASIA 1. Identifiers: Orphanet 40, MedGen C1864356, MONDO:0011275, OMIM 602875.
Tall stature-scoliosis-macrodactyly of the great toes syndrome. Also called: Epiphyseal chondrodysplasia, miura type. Identifiers: Orphanet 329191, MedGen C4014690, MONDO:0014401, OMIM 615923.

Allele frequency attached by ClinVar (database versions not stated): gnomAD exomes below 0.00001; gnomAD 0.00001; TOPMed 0.00001.
gnomAD v4.1: 2 of 1,607,772 alleles (0.00012%); highest among the groups gnomAD compares: Non-Finnish European, 0.00017%; no homozygotes.

Submission:

Labcorp Genetics (formerly Invitae), Labcorp
Classification: Uncertain significance for Tall stature-scoliosis-macrodactyly of the great toes syndrome; Acromesomelic dysplasia 1, Maroteaux type. Last evaluated: 2023-05-20. Review status: criteria provided, single submitter. Criteria: Invitae Variant Classification Sherloc (09022015). Collection method: clinical testing. Allele origin: germline.
Comment: In summary, the available evidence is currently insufficient to determine the role of this variant in disease. Therefore, it has been classified as a Variant of Uncertain Significance. Advanced modeling of protein sequence and biophysical properties (such as structural, functional, and spatial information, amino acid conservation, physicochemical variation, residue mobility, and thermodynamic stability) performed at Invitae indicates that this missense variant is not expected to disrupt NPR2 protein function. This variant has not been reported in the literature in individuals affected with NPR2-related conditions. This variant is not present in population databases (gnomAD no frequency). This sequence change replaces isoleucine, which is neutral and non-polar, with threonine, which is neutral and polar, at codon 592 of the NPR2 protein (p.Ile592Thr).